The following is an entry in ClinVar:

ClinVar aggregate classification (germline): Uncertain significance (1 of 4 stars; one submission).

Submission:

Labcorp Genetics (formerly Invitae), Labcorp
Classification: Uncertain significance. Last evaluated: 2020-06-11. Review status: criteria provided, single submitter. Criteria: Invitae Variant Classification Sherloc (09022015). Collection method: clinical testing. Allele origin: germline.
Comment: This sequence change replaces glycine with glutamic acid at codon 29 of the ADGRV1 protein (p.Gly29Glu). The glycine residue is moderately conserved and there is a moderate physicochemical difference between glycine and glutamic acid. This variant is not present in population databases (ExAC no frequency). In summary, the available evidence is currently insufficient to determine the role of this variant in disease. Therefore, it has been classified as a Variant of Uncertain Significance. Algorithms developed to predict the effect of missense changes on protein structure and function are either unavailable or do not agree on the potential impact of this missense change (SIFT: "Deleterious"; PolyPhen-2: "Probably Damaging"; Align-GVGD: "Class C0"). This variant has not been reported in the literature in individuals with ADGRV1-related conditions.

NM_032119.4(ADGRV1):c.86G>A (p.Gly29Glu)

Gene: ADGRV1 (adhesion G protein-coupled receptor V1; plus strand). Cytogenetic location: 5q14.3.
Variant type: single nucleotide variant.
Coding change: c.86G>A on transcript NM_032119.4 (MANE Select); coding-DNA position 86, G replaced by A.
Protein change: p.Gly29Glu; replaces glycine 29 with glutamic acid.
Molecular consequence: missense variant. On other transcripts: non-coding transcript variant (1).
Genome position (GRCh38, 1-based): chr5:90,614,898, G>A. VCF-style: chr5-90614898-G-A. GRCh37 (hg19) VCF-style: chr5-89910715-G-A.
Other names: short protein forms G29E.
Identifiers: ClinVar variation 1052569 (VCV001052569.9), dbSNP rs2152050517, ClinGen allele CA360382290.